The following is an entry in ClinVar:

ClinVar aggregate classification (germline): Uncertain significance. Review status: criteria provided, multiple submitters, no conflicts (2 of 4 stars). 2 submissions from 2 submitters: Uncertain significance (2). Last evaluated 2023-05-23.

Allele frequency attached by ClinVar (database versions not stated): gnomAD 0.00001 and 0.00002; ExAC 0.00002; gnomAD exomes 0.00002; TOPMed 0.00004.
gnomAD v4.1: 36 of 1,613,994 alleles (0.0022%); highest among the groups gnomAD compares: Middle Eastern, 0.049%; 1 homozygote.

Submissions (2):

Labcorp Genetics (formerly Invitae), Labcorp
Classification: Uncertain significance. Last evaluated: 2023-05-23. Review status: criteria provided, single submitter. Criteria: Invitae Variant Classification Sherloc (09022015). Collection method: clinical testing. Allele origin: germline.
Comment: In summary, the available evidence is currently insufficient to determine the role of this variant in disease. Therefore, it has been classified as a Variant of Uncertain Significance. Advanced modeling of protein sequence and biophysical properties (such as structural, functional, and spatial information, amino acid conservation, physicochemical variation, residue mobility, and thermodynamic stability) performed at Invitae indicates that this missense variant is not expected to disrupt CARMIL2 protein function. ClinVar contains an entry for this variant (Variation ID: 1352185). This variant has not been reported in the literature in individuals affected with CARMIL2-related conditions. This variant is present in population databases (rs561206822, gnomAD 0.003%). This sequence change replaces leucine, which is neutral and non-polar, with valine, which is neutral and non-polar, at codon 165 of the CARMIL2 protein (p.Leu165Val).

Blueprint Genetics
Classification: Uncertain significance. Last evaluated: 2023-03-15. Review status: criteria provided, single submitter. Criteria: ACMG Guidelines, 2015. Collection method: clinical testing. Allele origin: germline.

NM_001013838.3(CARMIL2):c.493C>G (p.Leu165Val)

Gene: CARMIL2 (capping protein regulator and myosin 1 linker 2; plus strand). Cytogenetic location: 16q22.1.
Variant type: single nucleotide variant.
Coding change: c.493C>G on transcript NM_001013838.3 (MANE Select); coding-DNA position 493, C replaced by G.
Protein change: p.Leu165Val; replaces leucine 165 with valine.
Molecular consequence: missense variant.
Genome position (GRCh38, 1-based): chr16:67,646,740, C>G. VCF-style: chr16-67646740-C-G. GRCh37 (hg19) VCF-style: chr16-67680643-C-G.
Other names: c.493C>G, p.Leu165Val (NM_001317026.3); short protein forms L165V.
Identifiers: ClinVar variation 1352185 (VCV001352185.7), dbSNP rs561206822, ClinGen allele CA8113091.